The following is an entry in ClinVar:

NM_144997.7(FLCN):c.990C>G (p.Ser330=)

Gene: FLCN (folliculin; minus strand). Cytogenetic location: 17p11.2.
Variant type: single nucleotide variant.
Coding change: c.990C>G on transcript NM_144997.7 (MANE Select); coding-DNA position 990, C replaced by G.
Protein change: p.Ser330=; no amino-acid change (serine 330 retained).
Molecular consequence: synonymous variant.
Genome position (GRCh38, 1-based): chr17:17,219,091, G>C on the plus strand (C>G on the coding strand, the complement: FLCN is on the minus strand). VCF-style: chr17-17219091-G-C. GRCh37 (hg19) VCF-style: chr17-17122405-G-C.
Other names: c.1044C>G, p.Ser348= (NM_001353229.2); c.990C>G, p.Ser330= (NM_001353230.2, NM_001353231.2).
Identifiers: ClinVar variation 3677048 (VCV003677048.4).

ClinVar aggregate classification (germline): Benign/Likely benign. Review status: criteria provided, multiple submitters, no conflicts (2 of 4 stars). 3 submissions from 3 submitters: Benign (1); Likely benign (2). Last evaluated 2025-01-21.

Conditions:
Birt-Hogg-Dube syndrome. Also called: Birt Hogg Dubé syndrome. Identifiers: Orphanet 122, MedGen C0346010, MONDO:0800444.
Birt-Hogg-Dube syndrome 1 (BHD1). Also called: FIBROFOLLICULOMAS WITH TRICHODISCOMAS AND ACROCHORDONS. Identifiers: Orphanet 122, MedGen CN375946, MONDO:0800445, OMIM 135150.
Hereditary cancer-predisposing syndrome. Also called: Hereditary Cancer Syndrome; Tumor predisposition; Hereditary neoplastic syndrome; Neoplastic Syndromes, Hereditary. Identifiers: Orphanet 140162, MedGen C0027672, MeSH D009386, MONDO:0015356.

gnomAD v4.1: 2 of 1,614,152 alleles (0.00012%); highest among the groups gnomAD compares: Non-Finnish European, 0.00017%; no homozygotes.

Submissions (3):

Labcorp Genetics (formerly Invitae), Labcorp
Classification: Likely benign for Birt-Hogg-Dube syndrome. Last evaluated: 2025-01-21. Review status: criteria provided, single submitter. Criteria: Invitae Variant Classification Sherloc (09022015). Collection method: clinical testing. Allele origin: germline.

Ambry Genetics
Classification: Likely benign for Hereditary cancer-predisposing syndrome. Last evaluated: 2024-12-12. Review status: criteria provided, single submitter. Criteria: Ambry Variant Classification Scheme 2023. Collection method: clinical testing. Allele origin: germline.

Myriad Genetics, Inc.
Classification: Benign for Birt-Hogg-Dube syndrome 1. Last evaluated: 2024-10-23. Review status: criteria provided, single submitter. Criteria: Myriad Autosomal Dominant, Autosomal Recessive and X-Linked Classification Criteria (2023). Collection method: clinical testing. Allele origin: unknown.
Comment: This variant is considered benign. This variant is a silent/synonymous amino acid change and it is not expected to impact splicing.